The following is an entry in ClinVar:

ClinVar aggregate classification (germline): Conflicting classifications of pathogenicity. Review status: criteria provided, conflicting classifications (1 of 4 stars). 8 submissions from 8 submitters: Uncertain significance (7); Likely benign (1). Last evaluated 2025-02-19.

Conditions:
Hereditary cancer-predisposing syndrome. Also called: Tumor predisposition; Neoplastic Syndromes, Hereditary; Hereditary Cancer Syndrome; Hereditary neoplastic syndrome. Identifiers: Orphanet 140162, MedGen C0027672, MeSH D009386, MONDO:0015356.
Peutz-Jeghers syndrome (PJS). Also called: Peutz-Jeghers polyposis; Periorificial lentiginosis syndrome; POLYPOSIS, HAMARTOMATOUS INTESTINAL; POLYPS-AND-SPOTS SYNDROME. Identifiers: Orphanet 2869, MedGen C0031269, MeSH D010580, MONDO:0008280, OMIM 175200.

Submissions (8):

Labcorp Genetics (formerly Invitae), Labcorp
Classification: Uncertain significance for Peutz-Jeghers syndrome. Last evaluated: 2025-02-19. Review status: criteria provided, single submitter. Criteria: Invitae Variant Classification Sherloc (09022015). Collection method: clinical testing. Allele origin: germline.
Comment: This variant, c.1051_1056del, results in the deletion of 2 amino acid(s) of the STK11 protein (p.Glu351_Asp352del), but otherwise preserves the integrity of the reading frame. This variant is present in population databases (rs762810203, gnomAD 0.007%). This variant has not been reported in the literature in individuals affected with STK11-related conditions. ClinVar contains an entry for this variant (Variation ID: 403761). Experimental studies and prediction algorithms are not available or were not evaluated, and the functional significance of this variant is currently unknown. In summary, the available evidence is currently insufficient to determine the role of this variant in disease. Therefore, it has been classified as a Variant of Uncertain Significance.

Molecular Pathology, Peter Maccallum Cancer Centre
Classification: Uncertain significance for Peutz-Jeghers syndrome. Last evaluated: 2025-01-10. Review status: criteria provided, single submitter. Criteria: ACMG Guidelines, 2015. Collection method: clinical testing. Allele origin: germline. Inheritance: Autosomal dominant inheritance.

All of Us Research Program, National Institutes of Health
Classification: Uncertain significance for Peutz-Jeghers syndrome. Last evaluated: 2023-06-28. Review status: criteria provided, single submitter. Criteria: ACMG Guidelines, 2015. Collection method: clinical testing. Allele origin: germline. Inheritance: Autosomal dominant inheritance. Observed: 1 variant allele, 1 heterozygote.
Comment: This variant causes an in-frame deletion of 2 amino acids of the STK11 protein. Splice site prediction tools suggest that this variant may not impact RNA splicing. To our knowledge, functional studies have not been performed for this variant. This variant has not been reported in individuals affected with hereditary cancer in the literature. This variant has been identified in 3/243968 chromosomes in the general population by the Genome Aggregation Database (gnomAD). The available evidence is insufficient to determine the role of this variant in disease conclusively. Therefore, this variant is classified as a Variant of Uncertain Significance.

This study involves interpretation of variants in research participants for the purpose of population health screening. Participant phenotype was not available at the time of variant classification. Additional details can be found in publication PMID: 35346344, PMCID: PMC8962531

Color Diagnostics, LLC DBA Color Health
Classification: Uncertain significance for Hereditary cancer-predisposing syndrome. Last evaluated: 2023-05-15. Review status: criteria provided, single submitter. Criteria: ACMG Guidelines, 2015. Collection method: clinical testing. Allele origin: germline.
Comment: This variant causes an in-frame deletion of 2 amino acids of the STK11 protein. Splice site prediction tools suggest that this variant may not impact RNA splicing. To our knowledge, functional studies have not been reported for this variant. This variant has not been reported in individuals affected with hereditary cancer in the literature. This variant has been identified in 3/243968 chromosomes in the general population by the Genome Aggregation Database (gnomAD). The available evidence is insufficient to determine the role of this variant in disease conclusively. Therefore, this variant is classified as a Variant of Uncertain Significance.

Ambry Genetics
Classification: Likely benign for Hereditary cancer-predisposing syndrome. Last evaluated: 2022-12-28. Review status: criteria provided, single submitter. Criteria: Ambry Variant Classification Scheme 2023. Collection method: clinical testing. Allele origin: germline.

GeneDx
Classification: Uncertain significance. Last evaluated: 2022-01-20. Review status: criteria provided, single submitter. Criteria: GeneDx Variant Classification Process June 2021. Collection method: clinical testing. Allele origin: germline. Affected: yes.
Comment: In-frame deletion of 2 amino acids in a non-repeat region; Not observed at significant frequency in large population cohorts (gnomAD); In silico analysis supports a deleterious effect on protein structure/function; Has not been previously published as a germline pathogenic or benign variant to our knowledge; This variant is associated with the following publications: (PMID: 34079290)

Sema4
Classification: Uncertain significance for Hereditary cancer-predisposing syndrome. Last evaluated: 2021-12-28. Review status: criteria provided, single submitter. Criteria: Sema4 Curation Guidelines. Collection method: curation. Allele origin: germline.
Comment: The STK11 c.1051_1056delGAGGAC (p.E351_D352del) variant has not been reported in the literature to our knowledge. It was observed in 2/30156 chromosomes of the South Asian (SAS) subpopulation in the large and broad cohorts of the Genome Aggregation Database (PMID: 32461654). This variant has been reported in ClinVar (Variation ID 403761). The evidence is insufficient to meet ACMG/AMP criteria for classifying the variant as benign or pathogenic. Thus, the clinical significance of this variant is currently uncertain.

Quest Diagnostics Nichols Institute San Juan Capistrano
Classification: Uncertain significance. Last evaluated: 2019-12-03. Review status: criteria provided, single submitter. Criteria: Quest Diagnostics criteria. Collection method: clinical testing. Allele origin: unknown.

Literature cited by the submitters: PubMed 31742824 (cited by Ambry Genetics).

NM_000455.5(STK11):c.1045GAGGAC[1] (p.349ED[1])

Genes: STK11 (serine/threonine kinase 11; plus strand), LOC130062899 (ATAC-STARR-seq lymphoblastoid active region 13597; plus strand). Cytogenetic location: 19p13.3.
Variant type: Microsatellite.
Coding change: c.1045GAGGAC[1] on transcript NM_000455.5 (MANE Select); one copy of the 6-base unit GAGGAC starting at c.1045; the reference has two copies in a row; one copy, 6 bases deleted; also written c.1051_1056del.
Protein change: p.349ED[1].
Molecular consequence: inframe deletion.
Genome position (GRCh38, 1-based): chr19:1,223,115-1,223,120, GAGGAC deleted; deleting any 6 consecutive bases within chr19:1,223,105-1,223,120 gives the same sequence; the position shown is the placement nearest the transcript's 3' end. VCF-style (leftmost placement, unchanged base first): chr19-1223104-CGGACGA-C. GRCh37 (hg19) VCF-style: chr19-1223103-CGGACGA-C.
Other names: c.1051_1056delGAGGAC (NM_000455.4); c.1051_1056del (NM_000455.5).
Identifiers: ClinVar variation 403761 (VCV000403761.27), dbSNP rs762810203, ClinGen allele CA9039459.